The following is an entry in ClinVar:

NM_001366385.1(CARD14):c.1252G>A (p.Ala418Thr)

Gene: CARD14 (caspase recruitment domain family member 14; plus strand). Cytogenetic location: 17q25.3.
Variant type: single nucleotide variant.
Coding change: c.1252G>A on transcript NM_001366385.1 (MANE Select); coding-DNA position 1252, G replaced by A.
Protein change: p.Ala418Thr; replaces alanine 418 with threonine.
Molecular consequence: missense variant. On other transcripts: non-coding transcript variant (1).
Genome position (GRCh38, 1-based): chr17:80,192,515, G>A. VCF-style: chr17-80192515-G-A. GRCh37 (hg19) VCF-style: chr17-78166314-G-A.
Other names: c.1252G>A, p.Ala418Thr (NM_001257970.1, NM_024110.4); c.541G>A, p.Ala181Thr (NM_052819.3); short protein forms A181T, A418T.
Identifiers: ClinVar variation 3757343 (VCV003757343.2).

ClinVar aggregate classification (germline): Uncertain significance (1 of 4 stars; one submission).

Conditions:
Pityriasis rubra pilaris (PRP). Also called: Pityriasis rubra pilaris--familial type. Identifiers: Orphanet 2897, MedGen C0032027, MONDO:0100017, OMIM 173200, MONDO:0008251.
Psoriasis 2. Identifiers: MedGen C1864497, MONDO:0011269, OMIM 602723.

Submission:

Labcorp Genetics (formerly Invitae), Labcorp
Classification: Uncertain significance for Pityriasis rubra pilaris; Psoriasis 2. Last evaluated: 2024-07-22. Review status: criteria provided, single submitter. Criteria: Invitae Variant Classification Sherloc (09022015). Collection method: clinical testing. Allele origin: germline.
Comment: This sequence change replaces alanine, which is neutral and non-polar, with threonine, which is neutral and polar, at codon 418 of the CARD14 protein (p.Ala418Thr). This variant is not present in population databases (gnomAD no frequency). This variant has not been reported in the literature in individuals affected with CARD14-related conditions. Advanced modeling of protein sequence and biophysical properties (such as structural, functional, and spatial information, amino acid conservation, physicochemical variation, residue mobility, and thermodynamic stability) performed at Invitae indicates that this missense variant is not expected to disrupt CARD14 protein function with a negative predictive value of 80%. In summary, the available evidence is currently insufficient to determine the role of this variant in disease. Therefore, it has been classified as a Variant of Uncertain Significance.